The following is an entry in ClinVar:

NM_001379291.1(BRD4):c.1374G>A (p.Pro458=)

Gene: BRD4 (bromodomain containing 4; minus strand). Cytogenetic location: 19p13.12.
Variant type: single nucleotide variant.
Coding change: c.1374G>A on transcript NM_001379291.1 (MANE Select); coding-DNA position 1374, G replaced by A.
Protein change: p.Pro458=; no amino-acid change (proline 458 retained).
Molecular consequence: synonymous variant.
Genome position (GRCh38, 1-based): chr19:15,257,141, C>T on the plus strand (G>A on the coding strand, the complement: BRD4 is on the minus strand). VCF-style: chr19-15257141-C-T. GRCh37 (hg19) VCF-style: chr19-15367952-C-T.
Other names: c.1374G>A, p.Pro458= (NM_001330384.2, NM_001379292.1, NM_014299.3 and 1 more transcripts); c.1374G>A (NM_058243.2).
Identifiers: ClinVar variation 1976364 (VCV001976364.7), dbSNP rs147887666, ClinGen allele CA9265381.

ClinVar aggregate classification (germline): Likely benign. Review status: criteria provided, single submitter (1 of 4 stars). 2 submissions from 2 submitters: Likely benign (1). 1 of the submissions does not count toward it. Last evaluated 2024-12-15.

Conditions:
BRD4-related disorder. Also called: BRD4-related condition.

Allele frequency attached by ClinVar (database versions not stated): gnomAD 0.00001; ExAC 0.00002; TOPMed 0.00003; ESP Exome Variant Server 0.00008.
gnomAD v4.1: 23 of 1,608,368 alleles (0.0014%); highest among the groups gnomAD compares: South Asian, 0.0044%; no homozygotes.

Submissions (2):

Labcorp Genetics (formerly Invitae), Labcorp
Classification: Likely benign. Last evaluated: 2024-12-15. Review status: criteria provided, single submitter. Criteria: Invitae Variant Classification Sherloc (09022015). Collection method: clinical testing. Allele origin: germline.

PreventionGenetics, part of Exact Sciences
Classification: Likely benign for BRD4-related condition. Last evaluated: 2023-06-28. Review status: no assertion criteria provided. Collection method: clinical testing. Allele origin: germline. Not counted in ClinVar's aggregate classification.
Comment: This variant is classified as likely benign based on ACMG/AMP sequence variant interpretation guidelines (Richards et al. 2015 PMID: 25741868, with internal and published modifications).